The following is an entry in ClinVar:

ClinVar aggregate classification (germline): Likely benign. Review status: criteria provided, single submitter (1 of 4 stars). 2 submissions from 2 submitters: Likely benign (1). 1 of the submissions does not count toward it. Last evaluated 2021-11-19.

Conditions:
PEX1-related disorder. Also called: PEX1-related condition.
Zellweger spectrum disorders (ZS). Also called: Zellweger syndrome; Zellweger Spectrum Disorder; Zellweger Spectrum; Zellweger Spectrum Disorder (ZSD). Identifiers: Orphanet 912, MedGen C0043459, MONDO:0019609.

Allele frequency attached by ClinVar (database versions not stated): ESP Exome Variant Server 0.00008.
gnomAD v4.1: 8 of 1,612,976 alleles (0.0005%); highest among the groups gnomAD compares: Non-Finnish European, 0.00059%; no homozygotes.

Submissions (2):

Labcorp Genetics (formerly Invitae), Labcorp
Classification: Likely benign for Zellweger spectrum disorders. Last evaluated: 2021-11-19. Review status: criteria provided, single submitter. Criteria: Invitae Variant Classification Sherloc (09022015). Collection method: clinical testing. Allele origin: germline.

PreventionGenetics, part of Exact Sciences
Classification: Likely benign for PEX1-related condition. Last evaluated: 2021-12-03. Review status: no assertion criteria provided. Collection method: clinical testing. Allele origin: germline. Not counted in ClinVar's aggregate classification.
Comment: This variant is classified as likely benign based on ACMG/AMP sequence variant interpretation guidelines (Richards et al. 2015 PMID: 25741868, with internal and published modifications).

NM_000466.3(PEX1):c.3129T>C (p.Thr1043=)

Genes: GATAD1 (GATA zinc finger domain containing 1; plus strand), PEX1 (peroxisomal biogenesis factor 1; minus strand). Cytogenetic location: 7q21.2.
Variant type: single nucleotide variant.
Coding change: c.3129T>C on transcript NM_000466.3 (MANE Select); coding-DNA position 3129, T replaced by C.
Protein change: p.Thr1043=; no amino-acid change (threonine 1043 retained).
Molecular consequence: synonymous variant.
Genome position (GRCh38, 1-based): chr7:92,493,031, A>G on the plus strand (T>C on the coding strand, the complement: PEX1 is on the minus strand). VCF-style: chr7-92493031-A-G. GRCh37 (hg19) VCF-style: chr7-92122345-A-G.
Other names: c.2958T>C, p.Thr986= (NM_001282677.2); c.2505T>C, p.Thr835= (NM_001282678.2); c.3129T>C (NM_000466.2).
Identifiers: ClinVar variation 1534883 (VCV001534883.10), dbSNP rs374905629, ClinGen allele CA4340900.
Genomic context (GRCh38, chr7:92,493,031, plus strand): 5'-CAGCATTCCATGTAAGGCCTCCAATTGGGCATTGTAAAGTAAAGCTTTCAGATCAGCTCC[A>G]GTAAAGGAGTCAGTTACTGATGCTACATGCTGAAGGTCAACATCATCTGCCAGAGGTAGA-3'
Protein context (NP_000457.1, residues 1033-1053): QHVASVTDSF[Thr1043=]GADLKALLYN